The following is an entry in ClinVar:

NM_004415.4(DSP):c.7833_7841del (p.Asp2611_Leu2613del)

Gene: DSP (desmoplakin; plus strand). Cytogenetic location: 6p24.3.
Variant type: Deletion.
Coding change: c.7833_7841del on transcript NM_004415.4 (MANE Select); coding-DNA positions 7833 to 7841, 9 bases deleted (CACCCTGGA; older notation c.7833_7841delCACCCTGGA).
Protein change: p.Asp2611_Leu2613del.
Molecular consequence: inframe deletion.
Genome position (GRCh38, 1-based): chr6:7,585,095-7,585,103, CACCCTGGA deleted; deleting any 9 consecutive bases within chr6:7,585,093-7,585,103 gives the same sequence; the c. name uses the placement nearest the transcript's 3' end. VCF-style (leftmost placement, unchanged base first): chr6-7585092-AGACACCCTG-A. GRCh37 (hg19) VCF-style: chr6-7585325-AGACACCCTG-A.
Other names: c.6036_6044del, p.Asp2012_Leu2014del (NM_001008844.3); c.6504_6512del, p.Asp2168_Leu2170del (NM_001319034.2).
Identifiers: ClinVar variation 1332144 (VCV001332144.2), dbSNP rs2113703405, ClinGen allele CA2573052741.

ClinVar aggregate classification (germline): Uncertain significance (1 of 4 stars; one submission).

Conditions:
Cardiomyopathy (CMYO). Also called: Cardiomyopathies. Identifiers: Orphanet 167848, MedGen C0878544, MONDO:0004994, HP:0001638. Inheritance: Various modes of inheritance.

Submission:

Color Diagnostics, LLC DBA Color Health
Classification: Uncertain significance for Cardiomyopathy. Last evaluated: 2021-03-17. Review status: criteria provided, single submitter. Criteria: ACMG Guidelines, 2015. Collection method: clinical testing. Allele origin: germline.
Comment: This variant causes an in-frame deletion of 3 amino acids of the DSP protein. To our knowledge, functional studies have not been reported for this variant. This variant has not been reported in individuals affected with cardiovascular disorders in the literature. This variant has not been identified in the general population by the Genome Aggregation Database (gnomAD). The available evidence is insufficient to determine the role of this variant in disease conclusively. Therefore, this variant is classified as a Variant of Uncertain Significance.